The following is an entry in ClinVar:

NM_001429.4(EP300):c.6298_6317del (p.Ile2100fs)

Gene: EP300 (EP300 lysine acetyltransferase; plus strand). Cytogenetic location: 22q13.2.
Variant type: Deletion.
Coding change: c.6298_6317del on transcript NM_001429.4 (MANE Select); coding-DNA positions 6298 to 6317, 20 bases deleted (ATCCCTGGGCAGCCTGGCAT).
Protein change: p.Ile2100fs; shifts the reading frame from isoleucine 2100.
Molecular consequence: frameshift variant.
Genome position (GRCh38, 1-based): chr22:41,178,009-41,178,028, ATCCCTGGGCAGCCTGGCAT deleted. VCF-style (leftmost placement, unchanged base first): chr22-41178008-CATCCCTGGGCAGCCTGGCAT-C. GRCh37 (hg19) VCF-style: chr22-41574012-CATCCCTGGGCAGCCTGGCAT-C.
Other names: c.6220_6239del, p.Ile2074fs (NM_001362843.2); c.6298_6317del (NM_001429.3); short protein forms I2100fs, I2074fs.
Identifiers: ClinVar variation 2745743 (VCV002745743.5), dbSNP rs2517834474, ClinGen allele CA2697552782.

ClinVar aggregate classification (germline): Pathogenic/Likely pathogenic. Review status: criteria provided, multiple submitters, no conflicts (2 of 4 stars). 3 submissions from 3 submitters: Pathogenic (1); Likely pathogenic (2). Last evaluated 2025-12-29.

Conditions:
Menke-Hennekam syndrome 2 (MKHK2). Identifiers: MedGen C5193035, MONDO:0020769, OMIM 618333.
Rubinstein-Taybi syndrome due to EP300 haploinsufficiency. Also called: EP300-Related Rubinstein-Taybi Syndrome; RUBINSTEIN-TAYBI SYNDROME 2. Identifiers: Orphanet 353284, Orphanet 783, MedGen C3150941, MONDO:0013364, OMIM 613684.

Submissions (3):

GeneDx
Classification: Likely pathogenic. Last evaluated: 2025-12-29. Review status: criteria provided, single submitter. Criteria: GeneDx Variant Classification Process June 2021. Collection method: clinical testing. Allele origin: germline.
Comment: Frameshift variant predicted to result in abnormal protein length as the last 315 amino acid(s) are replaced with 102 different amino acid(s), and other similar variants have been reported in HGMD; Not observed at significant frequency in large population cohorts (gnomAD); Has not been previously published as pathogenic or benign to our knowledge; This variant is associated with the following publications: (PMID: 17299436)

Labcorp Genetics (formerly Invitae), Labcorp
Classification: Pathogenic for Rubinstein-Taybi syndrome due to EP300 haploinsufficiency. Last evaluated: 2023-07-21. Review status: criteria provided, single submitter. Criteria: Invitae Variant Classification Sherloc (09022015). Collection method: clinical testing. Allele origin: germline.
Comment: This sequence change creates a premature translational stop signal (p.Ile2100Alafs*103) in the EP300 gene. While this is not anticipated to result in nonsense mediated decay, it is expected to disrupt the last 315 amino acid(s) of the EP300 protein. This variant is not present in population databases (gnomAD no frequency). This variant has not been reported in the literature in individuals affected with EP300-related conditions. This variant disrupts a region of the EP300 protein in which other variant(s) (p.Pro2367Argfs*36) have been determined to be pathogenic (PMID: 17299436). This suggests that this is a clinically significant region of the protein, and that variants that disrupt it are likely to be disease-causing. For these reasons, this variant has been classified as Pathogenic.

New York Genome Center
Classification: Likely pathogenic for Rubinstein-Taybi syndrome due to EP300 haploinsufficiency; Menke-Hennekam syndrome 2. Last evaluated: 2023-06-16. Review status: criteria provided, single submitter. Criteria: NYGC Assertion Criteria 2020. Collection method: clinical testing. Allele origin: inherited. Affected: yes. Observed: 1 variant allele, 1 heterozygote.
Comment: The heterozygous c.6298_6317del p.(Ile2100AlafsTer103) variant identified in the EP300 gene is the deletion of 20 nucleotides in the last exon of this 31-exon gene and alters the wild type translational reading. The resultant mutant mRNA is predicted to escape nonsense-mediated mRNA decay. If translated, the mutant protein would lack the last 145 amino acids compared to the full length 2145-amino acid protein. The c.6298_6317del variant is absent from population databases (gnomAD v2.1.1 and v3.1.2, TOPMed Freeze 8), suggesting it is not a common benign variant in the populations represented in those databases.The variant is absent from ClinVar and to our current knowledge has not been reported in affected individuals in the literature. However, other protein truncatingvariants downstream of c.6298_6317del have been reported, which include both de novo and inherited variants that are reported to result in phenotypes ranging from severely affected [PMID: 33043588] to mildly affected individuals [PMID:17299436, 27648933, 27964710, 34930662, 35599849]. Based on available evidence this heterozygous c.6298_6317del p.(Ile2100AlafsTer103) variant identified in EP300 is classified as Likely Pathogenic.

Literature cited by the submitters: PubMed 17299436 (cited by Labcorp Genetics (formerly Invitae), Labcorp).